The following is an entry in ClinVar:

ClinVar aggregate classification (germline): Uncertain significance. Review status: criteria provided, multiple submitters, no conflicts (2 of 4 stars). 2 submissions from 2 submitters: Uncertain significance (2). Last evaluated 2025-08-09.

Conditions:
Familial adenomatous polyposis 1 (FAP1). Also called: FAMILIAL ADENOMATOUS POLYPOSIS 1, ATTENUATED; POLYPOSIS, ADENOMATOUS INTESTINAL. Identifiers: MedGen C2713442, MONDO:0021056, OMIM 175100. Disease mechanism: loss of function.
Hereditary cancer-predisposing syndrome. Also called: Hereditary neoplastic syndrome; Neoplastic Syndromes, Hereditary; Tumor predisposition; Hereditary Cancer Syndrome. Identifiers: Orphanet 140162, MedGen C0027672, MeSH D009386, MONDO:0015356.

Submissions (2):

Ambry Genetics
Classification: Uncertain significance for Hereditary cancer-predisposing syndrome. Last evaluated: 2025-08-09. Review status: criteria provided, single submitter. Criteria: Ambry Variant Classification Scheme 2023. Collection method: clinical testing. Allele origin: germline.
Comment: The p.E2463Q variant (also known as c.7387G>C), located in coding exon 15 of the APC gene, results from a G to C substitution at nucleotide position 7387. The glutamic acid at codon 2463 is replaced by glutamine, an amino acid with highly similar properties. This amino acid position is conserved. In addition, in silico predictors for this gene do not accurately predict pathogenicity. Based on the available evidence, the clinical significance of this variant remains unclear.

Labcorp Genetics (formerly Invitae), Labcorp
Classification: Uncertain significance for Familial adenomatous polyposis 1. Last evaluated: 2025-03-24. Review status: criteria provided, single submitter. Criteria: Invitae Variant Classification Sherloc (09022015). Collection method: clinical testing. Allele origin: germline.
Comment: This sequence change replaces glutamic acid, which is acidic and polar, with glutamine, which is neutral and polar, at codon 2463 of the APC protein (p.Glu2463Gln). This variant is not present in population databases (gnomAD no frequency). This variant has not been reported in the literature in individuals affected with APC-related conditions. ClinVar contains an entry for this variant (Variation ID: 941565). Invitae Evidence Modeling of protein sequence and biophysical properties (such as structural, functional, and spatial information, amino acid conservation, physicochemical variation, residue mobility, and thermodynamic stability) indicates that this missense variant is not expected to disrupt APC protein function with a negative predictive value of 95%. In summary, the available evidence is currently insufficient to determine the role of this variant in disease. Therefore, it has been classified as a Variant of Uncertain Significance.

NM_000038.6(APC):c.7387G>C (p.Glu2463Gln)

Gene: APC (APC regulator of Wnt signaling pathway; plus strand). Cytogenetic location: 5q22.2.
Variant type: single nucleotide variant.
Coding change: c.7387G>C on transcript NM_000038.6 (MANE Select); coding-DNA position 7387, G replaced by C.
Protein change: p.Glu2463Gln; replaces glutamic acid 2463 with glutamine.
Molecular consequence: missense variant.
Genome position (GRCh38, 1-based): chr5:112,842,981, G>C. VCF-style: chr5-112842981-G-C. GRCh37 (hg19) VCF-style: chr5-112178678-G-C.
Other names: c.7387G>C, p.Glu2463Gln (NM_001127510.3, NM_001354895.2); c.7333G>C, p.Glu2445Gln (NM_001127511.3); c.7441G>C, p.Glu2481Gln (NM_001354896.2); c.7417G>C, p.Glu2473Gln (NM_001354897.2); c.7312G>C, p.Glu2438Gln (NM_001354898.2); c.7303G>C, p.Glu2435Gln (NM_001354899.2); c.7264G>C, p.Glu2422Gln (NM_001354900.2); c.7210G>C, p.Glu2404Gln (NM_001354901.2); and 5 more; short protein forms E2435Q, E2481Q, E2180Q, E2372Q, E2404Q, E2422Q, E2303Q, E2337Q.
Identifiers: ClinVar variation 941565 (VCV000941565.11), dbSNP rs775437110, ClinGen allele CA16037422.